The following is an entry in ClinVar:

ClinVar aggregate classification (germline): Uncertain significance (1 of 4 stars; one submission).

Conditions:
Combined oxidative phosphorylation defect type 14. Also called: Combined oxidative phosphorylation deficiency 14. Identifiers: Orphanet 319519, MedGen C4755312, MONDO:0013986, OMIM 614946.

Allele frequency attached by ClinVar (database versions not stated): TOPMed below 0.00001; gnomAD 0.00001; ESP Exome Variant Server 0.00008.
gnomAD v4.1: 1 of 1,613,860 alleles (0.000062%); highest among the groups gnomAD compares: African/African-American, 0.0013%; no homozygotes.

Submission:

Labcorp Genetics (formerly Invitae), Labcorp
Classification: Uncertain significance for Combined oxidative phosphorylation defect type 14. Last evaluated: 2025-05-22. Review status: criteria provided, single submitter. Criteria: Invitae Variant Classification Sherloc (09022015). Collection method: clinical testing. Allele origin: germline.
Comment: This sequence change replaces alanine, which is neutral and non-polar, with threonine, which is neutral and polar, at codon 170 of the FARS2 protein (p.Ala170Thr). This variant is not present in population databases (gnomAD no frequency). This variant has not been reported in the literature in individuals affected with FARS2-related conditions. ClinVar contains an entry for this variant (Variation ID: 1966873). Invitae Evidence Modeling of protein sequence and biophysical properties (such as structural, functional, and spatial information, amino acid conservation, physicochemical variation, residue mobility, and thermodynamic stability) has been performed for this missense variant. However, the output from this modeling did not meet the statistical confidence thresholds required to predict the impact of this variant on FARS2 protein function. In summary, the available evidence is currently insufficient to determine the role of this variant in disease. Therefore, it has been classified as a Variant of Uncertain Significance.

NM_006567.5(FARS2):c.508G>A (p.Ala170Thr)

Genes: FARS2 (phenylalanyl-tRNA synthetase 2, mitochondrial; plus strand), LOC126859565 (CDK7 strongly-dependent group 2 enhancer GRCh37_chr6:5368745-5369944; plus strand). Cytogenetic location: 6p25.1.
Variant type: single nucleotide variant.
Coding change: c.508G>A on transcript NM_006567.5 (MANE Select); coding-DNA position 508, G replaced by A.
Protein change: p.Ala170Thr; replaces alanine 170 with threonine.
Molecular consequence: missense variant. On other transcripts: intron variant (2).
Genome position (GRCh38, 1-based): chr6:5,369,078, G>A. VCF-style: chr6-5369078-G-A. GRCh37 (hg19) VCF-style: chr6-5369311-G-A.
Other names: c.508G>A, p.Ala170Thr (NM_001318872.2, NM_001374875.1, NM_001374876.1 and 5 more transcripts); c.-340-27555G>A (NM_001375260.1); c.-84-35464G>A (NM_001375259.1); short protein forms A170T.
Identifiers: ClinVar variation 1966873 (VCV001966873.5), dbSNP rs148309786, ClinGen allele CA134301611.